The following is an entry in ClinVar:

NM_001089.3(ABCA3):c.4297G>C (p.Glu1433Gln)

Gene: ABCA3 (ATP binding cassette subfamily A member 3; minus strand). Cytogenetic location: 16p13.3.
Variant type: single nucleotide variant.
Coding change: c.4297G>C on transcript NM_001089.3 (MANE Select); coding-DNA position 4297, G replaced by C.
Protein change: p.Glu1433Gln; replaces glutamic acid 1433 with glutamine.
Molecular consequence: missense variant.
Genome position (GRCh38, 1-based): chr16:2,281,089, C>G on the plus strand (G>C on the coding strand, the complement: ABCA3 is on the minus strand). VCF-style: chr16-2281089-C-G. GRCh37 (hg19) VCF-style: chr16-2331090-C-G.
Other names: short protein forms E1433Q.
Identifiers: ClinVar variation 2637485 (VCV002637485.2), dbSNP rs2505615940, ClinGen allele CA394308934.

ClinVar aggregate classification (germline): Uncertain significance (1 of 4 stars; one submission).

Allele frequency attached by ClinVar (database versions not stated): gnomAD exomes 0.00002.

Submission:

Women's Health and Genetics/Laboratory Corporation of America, LabCorp
Classification: Uncertain significance. Last evaluated: 2025-09-05. Review status: criteria provided, single submitter. Criteria: LabCorp Variant Classification Summary - May 2015. Collection method: clinical testing. Allele origin: germline.
Comment: Variant summary: ABCA3 c.4297G>C (p.Glu1433Gln) results in a conservative amino acid change located in the ABC transporter-like, ATP-binding domain (IPR003439) of the encoded protein sequence. Algorithms developed to predict the effect of missense changes on protein structure and function are either unavailable or do not agree on the potential impact of this missense change. The variant was absent in 251400 control chromosomes. The available data on variant occurrences in the general population are insufficient to allow any conclusion about variant significance. To our knowledge, no occurrence of c.4297G>C in individuals affected with ABCA3-related conditions and no experimental evidence demonstrating its impact on protein function have been reported. ClinVar contains an entry for this variant (Variation ID: 2637485). Based on the evidence outlined above, the variant was classified as uncertain significance.